The following is an entry in ClinVar:

ClinVar aggregate classification (germline): Uncertain significance (1 of 4 stars; one submission).

Conditions:
Hereditary cancer-predisposing syndrome. Also called: Neoplastic Syndromes, Hereditary; Tumor predisposition; Hereditary Cancer Syndrome; Hereditary neoplastic syndrome. Identifiers: Orphanet 140162, MedGen C0027672, MeSH D009386, MONDO:0015356.

Submission:

Ambry Genetics
Classification: Uncertain significance for Hereditary cancer-predisposing syndrome. Last evaluated: 2020-02-25. Review status: criteria provided, single submitter. Criteria: Ambry Variant Classification Scheme 2023. Collection method: clinical testing. Allele origin: germline.
Comment: The p.A683T variant (also known as c.2047G>A), located in coding exon 4 of the MSH6 gene, results from a G to A substitution at nucleotide position 2047. The alanine at codon 683 is replaced by threonine, an amino acid with similar properties. This amino acid position is highly conserved in available vertebrate species. In addition, this alteration is predicted to be deleterious by in silico analysis. Since supporting evidence is limited at this time, the clinical significance of this alteration remains unclear.

NM_000179.3(MSH6):c.2047G>A (p.Ala683Thr)

Gene: MSH6 (mutS homolog 6; plus strand). Cytogenetic location: 2p16.3.
Variant type: single nucleotide variant.
Coding change: c.2047G>A on transcript NM_000179.3 (MANE Select); coding-DNA position 2047, G replaced by A.
Protein change: p.Ala683Thr; replaces alanine 683 with threonine.
Molecular consequence: missense variant.
Genome position (GRCh38, 1-based): chr2:47,800,030, G>A. VCF-style: chr2-47800030-G-A. GRCh37 (hg19) VCF-style: chr2-48027169-G-A.
Other names: c.1657G>A, p.Ala553Thr (NM_001281492.2); c.1141G>A, p.Ala381Thr (NM_001281493.2, NM_001281494.2, NM_001406811.1 and 6 more transcripts); c.2143G>A, p.Ala715Thr (NM_001406795.1, NM_001406802.1); c.2047G>A, p.Ala683Thr (NM_001406796.1, NM_001406798.1, NM_001406800.1 and 3 more transcripts); c.1750G>A, p.Ala584Thr (NM_001406797.1, NM_001406801.1, NM_001406805.1 and 10 more transcripts); c.1522G>A, p.Ala508Thr (NM_001406799.1, NM_001406806.1, NM_001406807.1); c.1969G>A, p.Ala657Thr (NM_001406804.1); c.2053G>A, p.Ala685Thr (NM_001406813.1); and 1 more; short protein forms A657T, A685T, A683T, A715T, A381T, A508T, A553T, A584T.
Identifiers: ClinVar variation 1784993 (VCV001784993.2), dbSNP rs1572725487, ClinGen allele CA346750753.